The following is an entry in ClinVar:

ClinVar aggregate classification (germline): Likely benign. Review status: criteria provided, multiple submitters, no conflicts (2 of 4 stars). 2 submissions from 2 submitters: Likely benign (2). Last evaluated 2024-11-19.

Allele frequency attached by ClinVar (database versions not stated): 1000 Genomes Project 30x 0.00062; 1000 Genomes Project 0.00080; ESP Exome Variant Server 0.00108.
gnomAD v4.1: 1,773 of 1,613,802 alleles (0.11%); highest among the groups gnomAD compares: Middle Eastern, 0.79%; 4 homozygotes.

Submissions (2):

Blueprint Genetics
Classification: Likely benign. Last evaluated: 2024-11-19. Review status: criteria provided, single submitter. Criteria: ACMG Guidelines, 2015. Collection method: clinical testing. Allele origin: germline.

CeGaT Center for Human Genetics Tuebingen
Classification: Likely benign. Last evaluated: 2022-10-01. Review status: criteria provided, single submitter. Criteria: CeGaT Center For Human Genetics Tuebingen Variant Classification Criteria Version 2. Collection method: clinical testing. Allele origin: germline. Affected: yes. Observed: 2 variant alleles.
Comment: EXOC2: BP4, BP7

NM_018303.6(EXOC2):c.24C>G (p.Pro8=)

Gene: EXOC2 (exocyst complex component 2; minus strand). Cytogenetic location: 6p25.3.
Variant type: single nucleotide variant.
Coding change: c.24C>G on transcript NM_018303.6 (MANE Select); coding-DNA position 24, C replaced by G.
Protein change: p.Pro8=; no amino-acid change (proline 8 retained).
Molecular consequence: synonymous variant. On other transcripts: non-coding transcript variant (1).
Genome position (GRCh38, 1-based): chr6:637,795, G>C on the plus strand (C>G on the coding strand, the complement: EXOC2 is on the minus strand). VCF-style: chr6-637795-G-C. GRCh37 (hg19) VCF-style: chr6-637795-G-C.
Identifiers: ClinVar variation 2656170 (VCV002656170.25), dbSNP rs148665259, ClinGen allele CA3613965.